The following is an entry in ClinVar:

ClinVar aggregate classification (germline): Likely benign. Review status: criteria provided, multiple submitters, no conflicts (2 of 4 stars). 3 submissions from 3 submitters: Likely benign (3). Last evaluated 2025-06-08.

Conditions:
OTOG-related disorder. Also called: OTOG-related condition.

Allele frequency attached by ClinVar (database versions not stated): TOPMed 0.00007; 1000 Genomes Project 30x 0.00016.
gnomAD v4.1: 121 of 1,548,496 alleles (0.0078%); highest among the groups gnomAD compares: Non-Finnish European, 0.0097%; no homozygotes.

Submissions (3):

PreventionGenetics, part of Exact Sciences
Classification: Likely benign for OTOG-related condition. Last evaluated: 2025-06-08. Review status: criteria provided, single submitter. Criteria: ACMG Guidelines, 2015. Collection method: clinical testing. Allele origin: germline.
Comment: This variant is classified as likely benign based on ACMG/AMP sequence variant interpretation guidelines (Richards et al. 2015 PMID: 25741868, with internal and published modifications).

CeGaT Center for Human Genetics Tuebingen
Classification: Likely benign. Last evaluated: 2023-04-01. Review status: criteria provided, single submitter. Criteria: CeGaT Center For Human Genetics Tuebingen Variant Classification Criteria Version 2. Collection method: clinical testing. Allele origin: germline. Affected: yes. Observed: 2 variant alleles.
Comment: OTOG: BP4, BP7

Labcorp Genetics (formerly Invitae), Labcorp
Classification: Likely benign. Last evaluated: 2022-08-16. Review status: criteria provided, single submitter. Criteria: Invitae Variant Classification Sherloc (09022015). Collection method: clinical testing. Allele origin: germline.

NM_001292063.2(OTOG):c.8091C>T (p.Gly2697=)

Gene: OTOG (otogelin; plus strand). Cytogenetic location: 11p15.1.
Variant type: single nucleotide variant.
Coding change: c.8091C>T on transcript NM_001292063.2 (MANE Select); coding-DNA position 8091, C replaced by T.
Protein change: p.Gly2697=; no amino-acid change (glycine 2697 retained).
Molecular consequence: synonymous variant.
Genome position (GRCh38, 1-based): chr11:17,640,992, C>T. VCF-style: chr11-17640992-C-T. GRCh37 (hg19) VCF-style: chr11-17662539-C-T.
Other names: c.8127C>T, p.Gly2709= (NM_001277269.2); c.8127C>T (NM_001277269.1).
Identifiers: ClinVar variation 2064169 (VCV002064169.29), dbSNP rs535312212, ClinGen allele CA218456024.